The following is an entry in ClinVar:

ClinVar aggregate classification (germline): Uncertain significance (1 of 4 stars; one submission).

Allele frequency attached by ClinVar (database versions not stated): TOPMed 0.00001.
gnomAD v4.1: 12 of 1,613,750 alleles (0.00074%); highest among the groups gnomAD compares: East Asian, 0.0022%; no homozygotes.

Submission:

Ambry Genetics
Classification: Uncertain significance. Last evaluated: 2022-03-17. Review status: criteria provided, single submitter. Criteria: Ambry Variant Classification Scheme 2023. Collection method: clinical testing. Allele origin: germline.
Comment: The p.M989T variant (also known as c.2966T>C), located in coding exon 26 of the PRKDC gene, results from a T to C substitution at nucleotide position 2966. The methionine at codon 989 is replaced by threonine, an amino acid with similar properties. This amino acid position is conserved. In addition, the in silico prediction for this alteration is inconclusive. Since supporting evidence is limited at this time, the clinical significance of this alteration remains unclear.

NM_006904.7(PRKDC):c.2966T>C (p.Met989Thr)

Gene: PRKDC (protein kinase, DNA-activated, catalytic subunit; minus strand). Cytogenetic location: 8q11.21.
Variant type: single nucleotide variant.
Coding change: c.2966T>C on transcript NM_006904.7 (MANE Select); coding-DNA position 2966, T replaced by C.
Protein change: p.Met989Thr; replaces methionine 989 with threonine.
Molecular consequence: missense variant.
Genome position (GRCh38, 1-based): chr8:47,904,945, A>G on the plus strand (T>C on the coding strand, the complement: PRKDC is on the minus strand). VCF-style: chr8-47904945-A-G. GRCh37 (hg19) VCF-style: chr8-48817505-A-G.
Other names: c.2966T>C, p.Met989Thr (NM_001081640.2); short protein forms M989T.
Identifiers: ClinVar variation 1798224 (VCV001798224.2), dbSNP rs749565098, ClinGen allele CA4741307.